The following is an entry in ClinVar:

NM_000934.4(SERPINF2):c.368-13del

Gene: SERPINF2 (serpin family F member 2; plus strand). Cytogenetic location: 17p13.3.
Variant type: Deletion.
Coding change: c.368-13del on transcript NM_000934.4 (MANE Select); 13 bases into the intron before coding-DNA position 368, one base deleted (C; older notation c.368-13delC).
Molecular consequence: intron variant.
Genome position (GRCh38, 1-based): chr17:1,747,006, C deleted. VCF-style (leftmost placement, unchanged base first): chr17-1747005-GC-G. GRCh37 (hg19) VCF-style: chr17-1650299-GC-G.
Other names: c.176-13del (NM_001165921.2); c.368-13del (NM_001165920.1).
Identifiers: ClinVar variation 4681266 (VCV004681266.6).
Genomic context (GRCh38, chr17:1,747,005, plus strand): 5'-AGGAGGGACTGGAGTGGGCAGTGGGGGTGAGAAAGGACCCGCAGCCGGGCCTCAGCCTGT[GC>G]GGTGCCCTCCAGGTGCTCAGAACCACACGTTGCAGAGGCTGCAACAGGTGCTGCACGCAG-3'

ClinVar aggregate classification (germline): Likely benign. Review status: criteria provided, multiple submitters, no conflicts (2 of 4 stars). 2 submissions from 2 submitters: Likely benign (2). Last evaluated 2025-12-01.

Submissions (2):

CeGaT Center for Human Genetics Tuebingen
Classification: Likely benign. Last evaluated: 2025-12-01. Review status: criteria provided, single submitter. Criteria: CeGaT Center For Human Genetics Tuebingen Variant Classification Criteria Version 2. Collection method: clinical testing. Allele origin: germline. Affected: yes. Observed: 1 variant allele.
Comment: SERPINF2: BS2

Blueprint Genetics
Classification: Likely benign. Last evaluated: 2024-11-11. Review status: criteria provided, single submitter. Criteria: ACMG Guidelines, 2015. Collection method: clinical testing. Allele origin: germline.